The following is an entry in ClinVar:

NM_024422.6(DSC2):c.638C>T (p.Ala213Val)

Gene: DSC2 (desmocollin 2; minus strand). Cytogenetic location: 18q12.1.
Variant type: single nucleotide variant.
Coding change: c.638C>T on transcript NM_024422.6 (MANE Select); coding-DNA position 638, C replaced by T.
Protein change: p.Ala213Val; replaces alanine 213 with valine.
Molecular consequence: missense variant.
Genome position (GRCh38, 1-based): chr18:31,087,806, G>A on the plus strand (C>T on the coding strand, the complement: DSC2 is on the minus strand). VCF-style: chr18-31087806-G-A. GRCh37 (hg19) VCF-style: chr18-28667769-G-A.
Other names: c.638C>T, p.Ala213Val (NM_004949.5); short protein forms A213V.
Identifiers: ClinVar variation 923031 (VCV000923031.7), dbSNP rs1299475740, ClinGen allele CA402113136.
Genomic context (GRCh38, chr18:31,087,806, plus strand): 5'-ATTTTGATTATTAGGGGCAGTGGAAGTTCTGGAGTATACCCATCTGGAGTTGTTGCAAAG[G>A]CAATTATCTGTGAAGAGAGTAAAATAAGGAGAAAAGTGAAAATAATCTTTTAAAATGAGG-3'
Protein context (NP_077740.1, residues 203-223): REQYESFEII[Ala213Val]FATTPDGYTP

ClinVar aggregate classification (germline): Uncertain significance. Review status: criteria provided, multiple submitters, no conflicts (2 of 4 stars). 3 submissions from 3 submitters: Uncertain significance (3). Last evaluated 2024-03-05.

Conditions:
Cardiomyopathy (CMYO). Also called: Cardiomyopathies. Identifiers: Orphanet 167848, MedGen C0878544, MONDO:0004994, HP:0001638. Inheritance: Various modes of inheritance.
Familial isolated arrhythmogenic right ventricular dysplasia. Identifiers: Orphanet 217656, MedGen C4274968, MONDO:0016342.
Arrhythmogenic right ventricular dysplasia 11. Also called: ARRHYTHMOGENIC RIGHT VENTRICULAR DYSPLASIA, FAMILIAL, 11; Arrhythmogenic Right Ventricular Dysplasia/Cardiomyopathy11; Arrhythmogenic right ventricular dysplasia 11 with mild palmoplantar keratoderma and woolly hair. Identifiers: MedGen C1864850, MONDO:0012506, OMIM 610476.

Allele frequency attached by ClinVar (database versions not stated): gnomAD exomes 0.00001.
gnomAD v4.1: 3 of 1,613,564 alleles (0.00019%); highest among the groups gnomAD compares: East Asian, 0.0022%; no homozygotes.

Submissions (3):

All of Us Research Program, National Institutes of Health
Classification: Uncertain significance for Familial isolated arrhythmogenic right ventricular dysplasia. Last evaluated: 2024-03-05. Review status: criteria provided, single submitter. Criteria: ACMG Guidelines, 2015. Collection method: clinical testing. Allele origin: germline. Inheritance: Autosomal dominant inheritance. Observed: 1 variant allele, 1 heterozygote.
Comment: This missense variant replaces alanine with valine at codon 213 of the DSC2 protein. Computational prediction suggests that this variant may not impact protein structure and function (internally defined REVEL score threshold <= 0.5, PMID: 27666373). Splice site prediction tools suggest that this variant may not impact RNA splicing. To our knowledge, functional studies have not been performed for this variant. This variant has not been reported in individuals affected with cardiovascular disorders in the literature. This variant has been identified in 2/251100 chromosomes in the general population by the Genome Aggregation Database (gnomAD). The available evidence is insufficient to determine the role of this variant in disease conclusively. Therefore, this variant is classified as a Variant of Uncertain Significance.

This study involves interpretation of variants in research participants for the purpose of population health screening. Participant phenotype was not available at the time of variant classification. Additional details can be found in publication PMID: 35346344, PMCID: PMC8962531

Labcorp Genetics (formerly Invitae), Labcorp
Classification: Uncertain significance for Arrhythmogenic right ventricular dysplasia 11. Last evaluated: 2024-01-01. Review status: criteria provided, single submitter. Criteria: Invitae Variant Classification Sherloc (09022015). Collection method: clinical testing. Allele origin: germline.
Comment: This sequence change replaces alanine, which is neutral and non-polar, with valine, which is neutral and non-polar, at codon 213 of the DSC2 protein (p.Ala213Val). This variant is present in population databases (no rsID available, gnomAD 0.003%). This variant has not been reported in the literature in individuals affected with DSC2-related conditions. ClinVar contains an entry for this variant (Variation ID: 923031). Advanced modeling of protein sequence and biophysical properties (such as structural, functional, and spatial information, amino acid conservation, physicochemical variation, residue mobility, and thermodynamic stability) performed at Invitae indicates that this missense variant is not expected to disrupt DSC2 protein function with a negative predictive value of 80%. In summary, the available evidence is currently insufficient to determine the role of this variant in disease. Therefore, it has been classified as a Variant of Uncertain Significance.

Color Diagnostics, LLC DBA Color Health
Classification: Uncertain significance for Cardiomyopathy. Last evaluated: 2019-12-04. Review status: criteria provided, single submitter. Criteria: ACMG Guidelines, 2015. Collection method: clinical testing. Allele origin: germline.
Comment: This missense variant replaces alanine with valine at codon 213 of the DSC2 protein. Computational prediction suggests that this variant may not impact protein structure and function (internally defined REVEL score threshold <= 0.5, PMID: 27666373). Splice site prediction tools suggest that this variant may not impact RNA splicing. To our knowledge, functional studies have not been performed for this variant. This variant has not been reported in individuals affected with cardiovascular disorders in the literature. This variant has been identified in 2/251100 chromosomes in the general population by the Genome Aggregation Database (gnomAD). The available evidence is insufficient to determine the role of this variant in disease conclusively. Therefore, this variant is classified as a Variant of Uncertain Significance.